The following is an entry in ClinVar:

ClinVar aggregate classification (germline): Uncertain significance (1 of 4 stars; one submission).

Conditions:
Autosomal recessive limb-girdle muscular dystrophy type 2O. Also called: Limb-Girdle Muscular Dystrophy Type 3C; MUSCULAR DYSTROPHY-DYSTROGLYCANOPATHY (LIMB-GIRDLE), TYPE C, 3; MUSCULAR DYSTROPHY-DYSTROGLYCANOPATHY, LIMB-GIRDLE, POMGNT1-RELATED. Identifiers: Orphanet 206564, MedGen C3150417, MONDO:0013161, OMIM 613157.
Muscular dystrophy-dystroglycanopathy (congenital with impaired intellectual development), type B, 3. Also called: MUSCULAR DYSTROPHY, CONGENITAL, POMGNT1-RELATED; Muscular dystrophy-dystroglycanopathy (congenital with intellectual disability), type B3. Identifiers: MedGen C3150412, MONDO:0013155, OMIM 613151.

gnomAD v4.1: 2 of 1,614,174 alleles (0.00012%); highest among the groups gnomAD compares: Non-Finnish European, 0.000085%; no homozygotes.

Submission:

Labcorp Genetics (formerly Invitae), Labcorp
Classification: Uncertain significance for Autosomal recessive limb-girdle muscular dystrophy type 2O; Muscular dystrophy-dystroglycanopathy (congenital with impaired intellectual development), type B, 3. Last evaluated: 2024-10-25. Review status: criteria provided, single submitter. Criteria: Invitae Variant Classification Sherloc (09022015). Collection method: clinical testing. Allele origin: germline.
Comment: This sequence change replaces proline, which is neutral and non-polar, with serine, which is neutral and polar, at codon 72 of the POMGNT1 protein (p.Pro72Ser). This variant is not present in population databases (gnomAD no frequency). This variant has not been reported in the literature in individuals affected with POMGNT1-related conditions. ClinVar contains an entry for this variant (Variation ID: 1368833). Invitae Evidence Modeling of protein sequence and biophysical properties (such as structural, functional, and spatial information, amino acid conservation, physicochemical variation, residue mobility, and thermodynamic stability) indicates that this missense variant is not expected to disrupt POMGNT1 protein function with a negative predictive value of 95%. In summary, the available evidence is currently insufficient to determine the role of this variant in disease. Therefore, it has been classified as a Variant of Uncertain Significance.

NM_017739.4(POMGNT1):c.214C>T (p.Pro72Ser)

Gene: POMGNT1 (protein O-linked mannose N-acetylglucosaminyltransferase 1 (beta 1,2-); minus strand). Cytogenetic location: 1p34.1.
Variant type: single nucleotide variant.
Coding change: c.214C>T on transcript NM_017739.4 (MANE Select); coding-DNA position 214, C replaced by T.
Protein change: p.Pro72Ser; replaces proline 72 with serine.
Molecular consequence: missense variant. On other transcripts: 5 prime UTR variant (1).
Genome position (GRCh38, 1-based): chr1:46,196,991, G>A on the plus strand (C>T on the coding strand, the complement: POMGNT1 is on the minus strand). VCF-style: chr1-46196991-G-A. GRCh37 (hg19) VCF-style: chr1-46662663-G-A.
Other names: c.214C>T, p.Pro72Ser (NM_001243766.2, NM_001410783.1); c.148C>T, p.Pro50Ser (NM_001290129.3); c.-216C>T (NM_001290130.2); short protein forms P50S, P72S.
Identifiers: ClinVar variation 1368833 (VCV001368833.8), dbSNP rs2148218769, ClinGen allele CA340191901.